The following is an entry in ClinVar:

NM_003560.4(PLA2G6):c.1894C>T (p.Arg632Trp)

Gene: PLA2G6 (phospholipase A2 group VI; minus strand). Cytogenetic location: 22q13.1.
Variant type: single nucleotide variant.
Coding change: c.1894C>T on transcript NM_003560.4 (MANE Select); coding-DNA position 1894, C replaced by T.
Protein change: p.Arg632Trp; replaces arginine 632 with tryptophan.
Molecular consequence: missense variant.
Genome position (GRCh38, 1-based): chr22:38,115,667, G>A on the plus strand (C>T on the coding strand, the complement: PLA2G6 is on the minus strand). VCF-style: chr22-38115667-G-A. GRCh37 (hg19) VCF-style: chr22-38511674-G-A.
Other names: NM_003560.4(PLA2G6):c.1894C>T; c.1732C>T, p.Arg578Trp (NM_001004426.3, NM_001199562.3, NM_001349865.2 and 1 more transcripts); c.1894C>T, p.Arg632Trp (NM_001349864.2); c.1360C>T, p.Arg454Trp (NM_001349867.2); c.1216C>T, p.Arg406Trp (NM_001349868.2); c.1198C>T, p.Arg400Trp (NM_001349869.2); short protein forms R632W, R400W, R406W, R454W, R578W.
Identifiers: ClinVar variation 6199 (VCV000006199.52), dbSNP rs121908683, ClinGen allele CA118062.

ClinVar aggregate classification (germline): Pathogenic/Likely pathogenic. Review status: criteria provided, multiple submitters, no conflicts (2 of 4 stars). 10 submissions from 10 submitters: Pathogenic (5); Likely pathogenic (4). 1 of the submissions does not count toward it. Last evaluated 2026-01-05.

Conditions:
Autosomal recessive PLA2G6-related disorders.
PLA2G6-associated neurodegeneration (PLAN). Also called: phospholipase A2-associated neurodegeneration. Identifiers: Orphanet 329303, MedGen CN204472, MONDO:0017998.
Infantile neuroaxonal dystrophy (NBIA2A). Also called: NEURODEGENERATION WITH BRAIN IRON ACCUMULATION 2A; SEITELBERGER DISEASE; Infantile neuroaxonal dystrophy 1. Identifiers: Orphanet 35069, MedGen C0270724, MONDO:0024457, OMIM 256600.
Neurodegeneration with brain iron accumulation 2B. Also called: aNAD; atypical Neuroaxonal Dystrophy (aNAD); NEUROAXONAL DYSTROPHY, ATYPICAL; NEURODEGENERATION WITH BRAIN IRON ACCUMULATION, PLA2G6-RELATED. Identifiers: Orphanet 35069, MedGen C1857747, MONDO:0012444, OMIM 610217.
Autosomal recessive Parkinson disease 14. Also called: PARKINSON DISEASE 14; DYSTONIA-PARKINSONISM, ADULT-ONSET. Identifiers: Orphanet 199351, MedGen C2751842, MONDO:0013060, OMIM 612953.
Neurodegeneration with brain iron accumulation (NBIA). Identifiers: Orphanet 385, MedGen C2931845, MONDO:0018307.
Karak syndrome. Identifiers: MedGen C2750220.

Allele frequency attached by ClinVar (database versions not stated): gnomAD exomes below 0.00001 and 0.00001; gnomAD 0.00002; ExAC 0.00003; TOPMed 0.00003.
gnomAD v4.1: 8 of 1,599,762 alleles (0.0005%); highest among the groups gnomAD compares: African/African-American, 0.004%; no homozygotes.

Submissions (10):

Labcorp Genetics (formerly Invitae), Labcorp
Classification: Pathogenic for Infantile neuroaxonal dystrophy. Last evaluated: 2026-01-05. Review status: criteria provided, single submitter. Criteria: Invitae Variant Classification Sherloc (09022015). Collection method: clinical testing. Allele origin: germline.
Comment: This sequence change replaces arginine, which is basic and polar, with tryptophan, which is neutral and slightly polar, at codon 632 of the PLA2G6 protein (p.Arg632Trp). The frequency data for this variant in the population databases is considered unreliable, as metrics indicate poor data quality at this position in the gnomAD database. This missense change has been observed in individuals with PLA2G6 associated conditions (PMID: 16783378, 19087156). It has also been observed to segregate with disease in related individuals. ClinVar contains an entry for this variant (Variation ID: 6199). Invitae Evidence Modeling of protein sequence and biophysical properties (such as structural, functional, and spatial information, amino acid conservation, physicochemical variation, residue mobility, and thermodynamic stability) indicates that this missense variant is expected to disrupt PLA2G6 protein function with a positive predictive value of 80%. Experimental studies are conflicting or provide insufficient evidence to determine the effect of this variant on PLA2G6 function (PMID: 20886109, 29108286, 34520727). For these reasons, this variant has been classified as Pathogenic.

Variantyx, Inc.
Classification: Likely pathogenic for Autosomal recessive PLA2G6-related disorders. Last evaluated: 2025-12-11. Review status: criteria provided, single submitter. Criteria: Variantyx Assertion Criteria 2022. Collection method: clinical testing. Allele origin: germline. Inheritance: Autosomal recessive inheritance. Affected: no.
Comment: This is a nonsynonymous variant in the PLA2G6 gene (OMIM: 603604). Pathogenic variants in this gene have been associated with autosomal recessive PLA2G6-related disorders. This variant has been identified in the homozygous or compound heterozygous state in at least four individuals reported in the published literature (PMID: 16783378, 37644343, 35873758, 19087156) (PM3_Strong) and it has been observed to segregate with disease in at least 3 individuals from 2 families (PMID: 35873758, 19087156) (PP1_Moderate). Multiple computational algorithms predict a deleterious effect for this variant (REVEL score: 0.795) (PP3). This variant has a 0.0040% maximum allele frequency in non-founder control populations (PM2). Based on the current evidence, this variant is classified as likely pathogenic for autosomal recessive PLA2G6-related disorders.No other variant of clinical significance was identified in the PLA2G6 gene.

3billion
Classification: Pathogenic for Neurodegeneration with brain iron accumulation 2B. Last evaluated: 2025-09-17. Review status: criteria provided, single submitter. Criteria: ACMG Guidelines, 2015. Collection method: clinical testing. Allele origin: germline. Affected: yes.
Comment: The variant is observed at an extremely low frequency in the gnomAD v4.1.0 dataset (total allele frequency: <0.001%). Predicted Consequence/Location: Missense variant In silico tool predictions suggest damaging effect of the variant on gene or gene product [REVEL: 0.80 (>=0.6, sensitivity 0.68 and specificity 0.92); 3Cnet: 0.99 (> 0.75, sensitivity 0.96 and precision 0.92)]. The same nucleotide change resulting in the same amino acid change has been previously reported as pathogenic/likely pathogenic with strong evidence (ClinVar ID: VCV000006199 /PMID: 16783378). The variant has been reported to be in trans with a pathogenic variant as either compound heterozygous or homozygous in at least one similarly affected unrelated individual (PMID: 19087156). The variant has been reported to co-segregate with the disease in at least one similarly affected relative/individual in the same family or similarly affected unrelated families (PMID: 19087156). Therefore, this variant is classified as Pathogenic according to the recommendation of ACMG/AMP guideline.

First Genomix Gene Laboratory, Genetic Diagnostics Department
Classification: Pathogenic for Infantile neuroaxonal dystrophy; Neurodegeneration with brain iron accumulation 2B; Autosomal recessive Parkinson disease 14. Last evaluated: 2025-03-17. Review status: criteria provided, single submitter. Criteria: ACMG Guidelines, 2015. Collection method: clinical testing. Allele origin: germline. Inheritance: Autosomal recessive inheritance. Affected: no. Observed: 1 variant allele.

Fulgent Genetics
Classification: Likely pathogenic for Infantile neuroaxonal dystrophy; Neurodegeneration with brain iron accumulation 2B; Autosomal recessive Parkinson disease 14. Last evaluated: 2024-05-23. Review status: criteria provided, single submitter. Criteria: ACMG Guidelines, 2015. Collection method: clinical testing. Allele origin: germline.

Broad Center for Mendelian Genomics, Broad Institute of MIT and Harvard
Classification: Likely pathogenic for PLA2G6-associated neurodegeneration. Last evaluated: 2023-01-24. Review status: criteria provided, single submitter. Criteria: ACMG Guidelines, 2015. Collection method: curation. Allele origin: germline. Inheritance: Autosomal recessive inheritance.
Comment: The p.Arg632Trp variant in PLA2G6 has been reported in 2 individuals with PLA2G6-associated neurodegeneration (PMID: 16783378, 19087156), segregated with disease in 2 affected relatives from 1 family (PMID: 19087156), and has been identified in 0.009% (2/21698) of African/African American chromosomes by the Genome Aggregation Database (gnomAD; dbSNP ID: rs121908683). Although this variant has been seen in the general population in a heterozygous state, its frequency is low enough to be consistent with a recessive carrier frequency. This variant has also been reported in ClinVar (Variation ID#: 6199) and has been interpreted as pathogenic by OMIM, Women's Health and Genetics/Laboratory Corporation of America (LabCorp), and CeGaT Praxis fuer Humangenetik Tuebingen. Of the 2 affected individuals, 1 of those was a homozygote, and 1 was a compound heterozygote that carried a reported pathogenic variant with unknown phase, which increases the likelihood that the p.Arg632Trp variant is pathogenic (Variant ID: 6198; PMID: 16783378, 19087156). The functional evidence for this variant is conflicting, and may not accurately depict the pathogenicity of the variant (PMID: 20886109, 29108286). Computational prediction tools and conservation analyses suggest that this variant may impact the protein, though this information is not predictive enough to determine pathogenicity. In summary, although additional studies are required to fully establish its clinical significance, this variant is likely pathogenic for autosomal recessive PLA2G6-associated neurodegeneration. ACMG/AMP Criteria applied: PM3, PP1_moderate, PP3, PM2_supporting (Richards 2015).

GeneDx
Classification: Likely pathogenic. Last evaluated: 2022-07-06. Review status: criteria provided, single submitter. Criteria: GeneDx Variant Classification Process June 2021. Collection method: clinical testing. Allele origin: germline. Affected: yes.
Comment: Published functional studies demonstrate a damaging effect, where phospholipase catalytic activity increased, supporting a gain of function effect (Engel et al., 2010); Not observed at significant frequency in large population cohorts (gnomAD); In silico analysis supports that this missense variant has a deleterious effect on protein structure/function; This variant is associated with the following publications: (PMID: 19087156, 30619057, 16783378, 20886109)

CeGaT Center for Human Genetics Tuebingen
Classification: Pathogenic. Last evaluated: 2022-07-01. Review status: criteria provided, single submitter. Criteria: CeGaT Center For Human Genetics Tuebingen Variant Classification Criteria Version 2. Collection method: clinical testing. Allele origin: germline. Affected: yes. Observed: 2 variant alleles.

Women's Health and Genetics/Laboratory Corporation of America, LabCorp
Classification: Pathogenic for Neurodegeneration with brain iron accumulation. Last evaluated: 2021-08-10. Review status: criteria provided, single submitter. Criteria: LabCorp Variant Classification Summary - May 2015. Collection method: clinical testing. Allele origin: germline.
Comment: Variant summary: PLA2G6 c.1894C>T (p.Arg632Trp) results in a non-conservative amino acid change located in the Patatin-like phospholipase domain (IPR002641) of the encoded protein sequence. Five of five in-silico tools predict a damaging effect of the variant on protein function. The variant allele was found at a frequency of 9e-06 in 223138 control chromosomes. c.1894C>T has been reported in the literature in multiple individuals affected with Neurodegeneration With Brain Iron Accumulation (example Sina_2009, Morgan_2006) and subsequently cited by others (example, Kapoor_2016, pei Guo_2018, Giri_2016, Shen_2019, Tsai Chu_2020, and Yup Lee_2021). These data indicate that the variant is very likely to be associated with disease. To our knowledge, no experimental evidence demonstrating an impact on protein function has been reported. One clinical diagnostic laboratory has submitted clinical-significance assessments for this variant to ClinVar after 2014 without evidence for independent evaluation and classified the variant as pathogenic. Based on the evidence outlined above, the variant was classified as pathogenic.

OMIM
Classification: Pathogenic for KARAK SYNDROME. Last evaluated: 2006-07-01. Review status: no assertion criteria provided. Collection method: literature only. Allele origin: germline. Not counted in ClinVar's aggregate classification.

Literature cited by the submitters: PubMed 16783378 (cited by 5 submitters); PubMed 19087156 (cited by 4 submitters); PubMed 20886109 (cited by Labcorp Genetics (formerly Invitae), Labcorp and Women's Health and Genetics/Laboratory Corporation of America, LabCorp); PubMed 29108286 (cited by Labcorp Genetics (formerly Invitae), Labcorp and Women's Health and Genetics/Laboratory Corporation of America, LabCorp); PubMed 34520727 (cited by Labcorp Genetics (formerly Invitae), Labcorp); PubMed 35873758 (cited by Variantyx, Inc.); PubMed 37644343 (cited by Variantyx, Inc.); PubMed 27127721 (cited by Women's Health and Genetics/Laboratory Corporation of America, LabCorp); PubMed 27196560 (cited by Women's Health and Genetics/Laboratory Corporation of America, LabCorp); PubMed 20619503 (cited by Women's Health and Genetics/Laboratory Corporation of America, LabCorp); PubMed 31496990 (cited by Women's Health and Genetics/Laboratory Corporation of America, LabCorp); PubMed 32183746 (cited by Women's Health and Genetics/Laboratory Corporation of America, LabCorp); PubMed 33550528 (cited by Women's Health and Genetics/Laboratory Corporation of America, LabCorp); PubMed 30619057 (cited by Women's Health and Genetics/Laboratory Corporation of America, LabCorp).